The following is an entry in ClinVar:

ClinVar aggregate classification (germline): Uncertain significance (1 of 4 stars; one submission).

gnomAD v4.1: 6 of 1,614,086 alleles (0.00037%); highest among the groups gnomAD compares: South Asian, 0.0055%; no homozygotes.

Submissions (2):

Women's Health and Genetics/Laboratory Corporation of America, LabCorp
Classification: Uncertain significance. Last evaluated: 2026-06-15. Review status: criteria provided, single submitter. Criteria: LabCorp Variant Classification Summary - May 2015. Collection method: clinical testing. Allele origin: germline.
Comment: Variant summary: CYP27B1 c.963+5G>A alters a nucleotide located close to a canonical splice site and therefore could affect mRNA splicing, leading to a significantly altered protein sequence. Several computational tools predict a significant impact on normal splicing: Two predict the variant abolishes a 5' splicing donor site. Two predict the variant weakens a 5' donor site. However, these predictions have yet to be confirmed by functional studies. The variant allele was found at a frequency of 8e-06 in 251218 control chromosomes. The available data on variant occurrences in the general population are insufficient to allow any conclusion about variant significance. To our knowledge, no occurrence of c.963+5G>A in individuals affected with CYP27B1-related conditions and no experimental evidence demonstrating its impact on protein function have been reported. No submitters have cited clinical-significance assessments for this variant to ClinVar. Based on the evidence outlined above, the variant was classified as uncertain significance.

Dr. Peter K. Rogan Lab, Western University
No classification provided (evidence only). Condition: Melanoma. Review status: no classification provided. Collection method: in vitro. Allele origin: not applicable. Functional consequence: retained intron. Not counted in ClinVar's aggregate classification.

NM_000785.4(CYP27B1):c.963+5G>A

Gene: CYP27B1 (cytochrome P450 family 27 subfamily B member 1; minus strand). Cytogenetic location: 12q14.1.
Variant type: single nucleotide variant.
Coding change: c.963+5G>A on transcript NM_000785.4 (MANE Select); 5 bases into the intron after coding-DNA position 963, G replaced by A.
Molecular consequence: intron variant.
Genome position (GRCh38, 1-based): chr12:57,764,749, C>T on the plus strand (G>A on the coding strand, the complement: CYP27B1 is on the minus strand). VCF-style: chr12-57764749-C-T. GRCh37 (hg19) VCF-style: chr12-58158532-C-T.
Other names: NC_000012.11:g.58158532C>T.
Identifiers: ClinVar variation 4387491 (VCV004387491.2).